The following is an entry in ClinVar:

NM_182746.3(MCM4):c.*358T>C

Gene: MCM4 (minichromosome maintenance complex component 4; plus strand). Cytogenetic location: 8q11.21.
Variant type: single nucleotide variant.
Coding change: c.*358T>C on transcript NM_182746.3 (MANE Select); 358 bases downstream of the stop codon, T replaced by C.
Molecular consequence: 3 prime UTR variant.
Genome position (GRCh38, 1-based): chr8:47,977,136, T>C. VCF-style: chr8-47977136-T-C. GRCh37 (hg19) VCF-style: chr8-48889696-T-C.
Other names: c.*358T>C (LRG_1239t1, NM_005914.4).
Identifiers: ClinVar variation 363244 (VCV000363244.6), dbSNP rs17287761, ClinGen allele CA10625555.
Genomic context (GRCh38, chr8:47,977,136, plus strand): 5'-CAAGATGGTGAAACCCCGTCTCTAGTAAAGATAACAAAAAATTAGCTGGGCTTGATGGCA[T>C]GCGCCTGTAATCCCAGCTACTCGGGAGGTTGAGGCAGGAGAATCGCTTAAACCCAGGCGG-3'

ClinVar aggregate classification (germline): Benign. Review status: criteria provided, multiple submitters, no conflicts (2 of 4 stars). 2 submissions from 2 submitters: Benign (2). Last evaluated 2018-01-13.

Conditions:
Primary immunodeficiency with natural-killer cell deficiency and adrenal insufficiency (IMD54). Also called: Natural killer cell and glucocorticoid deficiency with DNA repair defect; IMMUNODEFICIENCY 54. Identifiers: Orphanet 75391, MedGen C1864947, MONDO:0012383, OMIM 609981.

Allele frequency attached by ClinVar (database versions not stated): gnomAD exomes 0.00865; gnomAD 0.03834 and 0.04003; TOPMed 0.04140; 1000 Genomes Project 0.05032; 1000 Genomes Project 30x 0.05278.

Submissions (2):

Illumina Laboratory Services, Illumina
Classification: Benign for Primary immunodeficiency with natural-killer cell deficiency and adrenal insufficiency. Last evaluated: 2018-01-13. Review status: criteria provided, single submitter. Criteria: ICSL Variant Classification Criteria 13 December 2019. Collection method: clinical testing. Allele origin: germline.
Comment: This variant was observed in the ICSL laboratory as part of a predisposition screen in an ostensibly healthy population. It had not been previously curated by ICSL or reported in the Human Gene Mutation Database (HGMD: prior to June 1st, 2018), and was therefore a candidate for classification through an automated scoring system. Utilizing variant allele frequency, disease prevalence and penetrance estimates, and inheritance mode, an automated score was calculated to assess if this variant is too frequent to cause the disease. Based on the score and internal cut-off values, a variant classified as benign is not then subjected to further curation. The score for this variant resulted in a classification of benign for this disease.

Breakthrough Genomics
Classification: Benign. Review status: criteria provided, single submitter. Criteria: ACMG Guidelines, 2015. Collection method: not provided. Allele origin: germline. Inheritance: Autosomal recessive inheritance. Affected: yes.